The following is an entry in ClinVar:

ClinVar aggregate classification (germline): Uncertain significance. Review status: criteria provided, multiple submitters, no conflicts (2 of 4 stars). 2 submissions from 2 submitters: Uncertain significance (2). Last evaluated 2025-05-25.

Conditions:
Inborn genetic diseases. Identifiers: MedGen C0950123, MeSH D030342.

Allele frequency attached by ClinVar (database versions not stated): gnomAD exomes below 0.00001; TOPMed 0.00002; gnomAD 0.00002.
gnomAD v4.1: 6 of 1,614,064 alleles (0.00037%); highest among the groups gnomAD compares: African/African-American, 0.0053%; no homozygotes.

Submissions (2):

Ambry Genetics
Classification: Uncertain significance for Inborn genetic diseases. Last evaluated: 2025-05-25. Review status: criteria provided, single submitter. Criteria: Ambry Variant Classification Scheme 2023. Collection method: clinical testing. Allele origin: germline.

Labcorp Genetics (formerly Invitae), Labcorp
Classification: Uncertain significance. Last evaluated: 2025-05-05. Review status: criteria provided, single submitter. Criteria: Invitae Variant Classification Sherloc (09022015). Collection method: clinical testing. Allele origin: germline.
Comment: This sequence change replaces glycine, which is neutral and non-polar, with serine, which is neutral and polar, at codon 380 of the CAMTA1 protein (p.Gly380Ser). This variant is not present in population databases (gnomAD no frequency). This variant has not been reported in the literature in individuals affected with CAMTA1-related conditions. ClinVar contains an entry for this variant (Variation ID: 2543818). Invitae Evidence Modeling of protein sequence and biophysical properties (such as structural, functional, and spatial information, amino acid conservation, physicochemical variation, residue mobility, and thermodynamic stability) indicates that this missense variant is not expected to disrupt CAMTA1 protein function with a negative predictive value of 80%. In summary, the available evidence is currently insufficient to determine the role of this variant in disease. Therefore, it has been classified as a Variant of Uncertain Significance.

NM_015215.4(CAMTA1):c.1138G>A (p.Gly380Ser)

Gene: CAMTA1 (calmodulin binding transcription activator 1; plus strand). Cytogenetic location: 1p36.23.
Variant type: single nucleotide variant.
Coding change: c.1138G>A on transcript NM_015215.4 (MANE Select); coding-DNA position 1138, G replaced by A.
Protein change: p.Gly380Ser; replaces glycine 380 with serine.
Molecular consequence: missense variant.
Genome position (GRCh38, 1-based): chr1:7,663,685, G>A. VCF-style: chr1-7663685-G-A. GRCh37 (hg19) VCF-style: chr1-7723745-G-A.
Other names: c.1048G>A, p.Gly350Ser (NM_001349608.2, NM_001349612.2); c.1138G>A, p.Gly380Ser (NM_001349609.2, NM_001349610.2, NM_001410737.1); c.1066G>A, p.Gly356Ser (NM_001410738.1); short protein forms G356S, G380S, G350S.
Identifiers: ClinVar variation 2543818 (VCV002543818.6), dbSNP rs2095980057, ClinGen allele CA338125271.